The following is an entry in ClinVar:

ClinVar aggregate classification (germline): Benign/Likely benign. Review status: criteria provided, multiple submitters, no conflicts (2 of 4 stars). 2 submissions from 2 submitters: Benign (1); Likely benign (1). Last evaluated 2026-07-02.

Conditions:
Sessile serrated polyposis cancer syndrome (SSPCS). Identifiers: Orphanet 157798, MedGen C4310714, MONDO:0014919, OMIM 617108.

Submissions (2):

Myriad Genetics, Inc.
Classification: Benign for Sessile serrated polyposis cancer syndrome. Last evaluated: 2026-07-02. Review status: criteria provided, single submitter. Criteria: Myriad Autosomal Dominant, Autosomal Recessive and X-Linked Classification Criteria (2023). Collection method: clinical testing. Allele origin: unknown.
Comment: This variant is considered benign. This variant is a silent/synonymous amino acid change and it is not expected to impact splicing.

Ambry Genetics
Classification: Likely benign. Last evaluated: 2026-03-29. Review status: criteria provided, single submitter. Criteria: Ambry Variant Classification Scheme 2023. Collection method: clinical testing. Allele origin: germline.

NM_017763.6(RNF43):c.1887C>T (p.Ala629=)

Gene: RNF43 (ring finger protein 43; minus strand). Cytogenetic location: 17q22.
Variant type: single nucleotide variant.
Coding change: c.1887C>T on transcript NM_017763.6 (MANE Select); coding-DNA position 1887, C replaced by T.
Protein change: p.Ala629=; no amino-acid change (alanine 629 retained).
Molecular consequence: synonymous variant.
Genome position (GRCh38, 1-based): chr17:58,357,889, G>A on the plus strand (C>T on the coding strand, the complement: RNF43 is on the minus strand). VCF-style: chr17-58357889-G-A. GRCh37 (hg19) VCF-style: chr17-56435250-G-A.
Other names: c.1887C>T, p.Ala629= (NM_001305544.3, NM_001438820.1, NM_001438821.1 and 1 more transcripts); c.1506C>T, p.Ala502= (NM_001305545.2, NM_001437987.1).
Identifiers: ClinVar variation 4863386 (VCV004863386.2).
Genomic context (GRCh38, chr17:58,357,889, plus strand): 5'-GGCAGAGAGGCTGGATTTTTGCAAGTTGAACAGACTGCTGGTACTGGGGCAGATGCTGGA[G>A]GCGTCAACTGGGCCAGGGGCTGGCTCAGGGAGGGCCCTGGGGCACTGTGGGTTAGAGAGC-3'
Protein context (NP_060233.3, residues 619-639): LPEPAPGPVD[Ala629=]SSICPSTSSL